The following is an entry in ClinVar:

ClinVar aggregate classification (germline): Uncertain significance. Review status: criteria provided, multiple submitters, no conflicts (2 of 4 stars). 2 submissions from 2 submitters: Uncertain significance (2). Last evaluated 2024-05-30.

Conditions:
Deficiency of steroid 11-beta-monooxygenase (CYP11B1). Also called: ADRENAL HYPERPLASIA, CONGENITAL, DUE TO STEROID 11-BETA-HYDROXYLASE DEFICIENCY; P450C11B1 DEFICIENCY; STEROID 11-BETA-HYDROXYLASE DEFICIENCY; ADRENAL HYPERPLASIA IV; Congenital adrenal hyperplasia due to 11-beta-hydroxylase deficiency; 11-BETA-HYDROXYLASE DEFICIENCY. Identifiers: Orphanet 90795, MedGen C0268292, MONDO:0008729, OMIM 202010. Disease mechanism: loss of function.
Glucocorticoid-remediable aldosteronism. Also called: ALDOSTERONISM, SENSITIVE TO DEXAMETHASONE; Hyperaldosteronism, familial, type I; ACTH-DEPENDENT HYPERALDOSTERONISM SYNDROME; FH I; GLUCOCORTICOID-SUPPRESSIBLE HYPERALDOSTERONISM. Identifiers: Orphanet 403, MedGen C3838731, MONDO:0007080, OMIM 103900.

gnomAD v4.1: 62 of 1,614,038 alleles (0.0038%); highest among the groups gnomAD compares: Non-Finnish European, 0.005%; no homozygotes.

Submissions (2):

Fulgent Genetics
Classification: Uncertain significance for Glucocorticoid-remediable aldosteronism; Deficiency of steroid 11-beta-monooxygenase. Last evaluated: 2024-05-30. Review status: criteria provided, single submitter. Criteria: ACMG Guidelines, 2015. Collection method: clinical testing. Allele origin: germline.

Clinical Biochemistry Laboratory, Health Services Laboratory
Classification: Uncertain significance for Deficiency of steroid 11-beta-monooxygenase. Last evaluated: 2023-11-20. Review status: criteria provided, single submitter. Criteria: ACMG Guidelines, 2015. Collection method: clinical testing. Allele origin: germline. Affected: yes.
Comment: ACMG:PM1 PM2 BP4

NM_000497.4(CYP11B1):c.930A>T (p.Glu310Asp)

Genes: CYP11B1 (cytochrome P450 family 11 subfamily B member 1; minus strand), LOC106799833 (CYP11B1 recombination region; plus strand). Cytogenetic location: 8q24.3.
Variant type: single nucleotide variant.
Coding change: c.930A>T on transcript NM_000497.4 (MANE Select); coding-DNA position 930, A replaced by T.
Protein change: p.Glu310Asp; replaces glutamic acid 310 with aspartic acid.
Molecular consequence: missense variant.
Genome position (GRCh38, 1-based): chr8:142,876,265, T>A on the plus strand (A>T on the coding strand, the complement: CYP11B1 is on the minus strand). VCF-style: chr8-142876265-T-A. GRCh37 (hg19) VCF-style: chr8-143957681-T-A.
Other names: c.930A>T, p.Glu310Asp (NM_001026213.1); short protein forms E310D.
Identifiers: ClinVar variation 2674659 (VCV002674659.2), dbSNP rs148707144, ClinGen allele CA4905250.
Genomic context (GRCh38, chr8:142,876,265, plus strand): 5'-TCACCCTCTCTGGGTGGGGCTGGTTGCCGGCCTGACCGTGTCCACGCTCCCTGCAGTGAG[T>A]TCCATAGAGTTGGCCTTGATGGCATCTGGCGACAGTTCCGCATTCAACAGGAGCTCCGCC-3'
Protein context (NP_000488.3, residues 300-320): SPDAIKANSM[Glu310Asp]LTAGSVDTTV